The following is an entry in ClinVar:

NM_021008.4(DEAF1):c.108_112delinsTGCGA (p.Glu36_Glu38delinsAspAlaLys)

Gene: DEAF1 (DEAF1 transcription factor; minus strand). Cytogenetic location: 11p15.5.
Variant type: Indel.
Coding change: c.108_112delinsTGCGA on transcript NM_021008.4 (MANE Select); coding-DNA positions 108 to 112, GGCGG replaced by TGCGA.
Protein change: p.Glu36_Glu38delinsAspAlaLys.
Molecular consequence: missense variant. On other transcripts: intron variant (1).
Genome position (GRCh38, 1-based): chr11:694,936-694,940, CCGCC replaced by TCGCA on the plus strand (GGCGG replaced by TGCGA on the coding strand, the reverse complement: DEAF1 is on the minus strand). VCF-style: chr11-694936-CCGCC-TCGCA. GRCh37 (hg19) VCF-style: chr11-694936-CCGCC-TCGCA.
Other names: c.108_112delGGCGGinsTGCGA, p.Glu36_Glu38delinsAspAlaLys (NM_001293634.2); c.-437-3342_-437-3338delinsTGCGA (NM_001367390.1).
Identifiers: ClinVar variation 3368315 (VCV003368315.1).

ClinVar aggregate classification (germline): Uncertain significance (1 of 4 stars; one submission).

Submission:

GeneDx
Classification: Uncertain significance. Last evaluated: 2024-01-25. Review status: criteria provided, single submitter. Criteria: GeneDx Variant Classification Process June 2021. Collection method: clinical testing. Allele origin: germline. Affected: yes.
Comment: Not observed at significant frequency in large population cohorts (gnomAD); In silico analysis supports that this variant does not alter protein structure/function; Has not been previously published as pathogenic or benign to our knowledge